The following is an entry in ClinVar:

NM_004991.4(MECOM):c.3050T>C (p.Leu1017Pro)

Gene: MECOM (MDS1 and EVI1 complex locus; minus strand). Cytogenetic location: 3q26.2.
Variant type: single nucleotide variant.
Coding change: c.3050T>C on transcript NM_004991.4 (MANE Select); coding-DNA position 3050, T replaced by C.
Protein change: p.Leu1017Pro; replaces leucine 1017 with proline.
Molecular consequence: missense variant.
Genome position (GRCh38, 1-based): chr3:169,093,072, A>G on the plus strand (T>C on the coding strand, the complement: MECOM is on the minus strand). VCF-style: chr3-169093072-A-G. GRCh37 (hg19) VCF-style: chr3-168810860-A-G.
Other names: c.2681T>C, p.Leu894Pro (NM_001105077.4); c.2486T>C, p.Leu829Pro (NM_001105078.4, NM_001205194.2, NM_001366469.2 and 1 more transcripts); c.2462T>C, p.Leu821Pro (NM_001163999.2, NM_001366470.2); c.2459T>C, p.Leu820Pro (NM_001164000.2, NM_001366471.2, NM_001366472.2); c.3023T>C, p.Leu1008Pro (NM_001366466.2); c.2489T>C, p.Leu830Pro (NM_001366467.2, NM_001366468.2); c.2051T>C, p.Leu684Pro (NM_001366473.2); c.1487T>C, p.Leu496Pro (NM_001366474.2); short protein forms L1008P, L829P, L830P, L1017P, L820P, L894P, L496P, L684P.
Identifiers: ClinVar variation 3394272 (VCV003394272.1).

ClinVar aggregate classification (germline): Uncertain significance (1 of 4 stars; one submission).

Conditions:
Inborn genetic diseases. Identifiers: MedGen C0950123, MeSH D030342.

Submission:

Ambry Genetics
Classification: Uncertain significance for Inborn genetic diseases. Last evaluated: 2024-11-22. Review status: criteria provided, single submitter. Criteria: Ambry Variant Classification Scheme 2023. Collection method: clinical testing. Allele origin: germline.
Comment: The p.L1017P variant (also known as c.3050T>C), located in coding exon 14 of the MECOM gene, results from a T to C substitution at nucleotide position 3050. The leucine at codon 1017 is replaced by proline, an amino acid with similar properties. This amino acid position is conserved. In addition, this alteration is predicted to be tolerated by in silico analysis. Based on the available evidence, the clinical significance of this variant remains unclear.